The following is an entry in ClinVar:

ClinVar aggregate classification (germline): Pathogenic/Likely pathogenic. Review status: criteria provided, multiple submitters, no conflicts (2 of 4 stars). 6 submissions from 6 submitters: Pathogenic (5); Likely pathogenic (1). Last evaluated 2025-09-23.

Conditions:
Familial cancer of breast. Also called: hereditary breast carcinoma; BREAST CANCER, FAMILIAL; Hereditary breast cancer. Identifiers: Orphanet 227535, MedGen C0346153, MONDO:0016419, OMIM 114480. Disease mechanism: loss of function.
Hereditary cancer-predisposing syndrome. Also called: Neoplastic Syndromes, Hereditary; Hereditary neoplastic syndrome; Hereditary Cancer Syndrome; Tumor predisposition. Identifiers: Orphanet 140162, MedGen C0027672, MeSH D009386, MONDO:0015356.

Submissions (6):

Ambry Genetics
Classification: Pathogenic for Hereditary cancer-predisposing syndrome. Last evaluated: 2025-09-23. Review status: criteria provided, single submitter. Criteria: Ambry Variant Classification Scheme 2023. Collection method: clinical testing. Allele origin: germline.
Comment: The p.C1078* pathogenic mutation (also known as c.3234T>A), located in coding exon 12 of the PALB2 gene, results from a T to A substitution at nucleotide position 3234. This changes the amino acid from a cysteine to a stop codon within coding exon 12. This alteration has been identified in an individual with advanced renal cell cancer (Carlo MI et al. JAMA Oncol, 2018 09;4:1228-1235). This variant is considered to be rare based on population cohorts in the Genome Aggregation Database (gnomAD). This alteration is expected to result in loss of function by premature protein truncation or nonsense-mediated mRNA decay. As such, this alteration is interpreted as a disease-causing mutation.

Labcorp Genetics (formerly Invitae), Labcorp
Classification: Pathogenic for Familial cancer of breast. Last evaluated: 2024-09-11. Review status: criteria provided, single submitter. Criteria: Invitae Variant Classification Sherloc (09022015). Collection method: clinical testing. Allele origin: germline.
Comment: This sequence change creates a premature translational stop signal (p.Cys1078*) in the PALB2 gene. It is expected to result in an absent or disrupted protein product. Loss-of-function variants in PALB2 are known to be pathogenic (PMID: 17200668, 17200671, 17200672, 24136930, 25099575). This variant is not present in population databases (gnomAD no frequency). This premature translational stop signal has been observed in individual(s) with renal cell carcinoma (PMID: 29978187). ClinVar contains an entry for this variant (Variation ID: 265571). Algorithms developed to predict the effect of sequence changes on RNA splicing suggest that this variant may disrupt the consensus splice site. For these reasons, this variant has been classified as Pathogenic.

Myriad Genetics, Inc.
Classification: Pathogenic for Familial cancer of breast. Last evaluated: 2023-09-14. Review status: criteria provided, single submitter. Criteria: Myriad Autosomal Dominant, Autosomal Recessive and X-Linked Classification Criteria (2023). Collection method: clinical testing. Allele origin: unknown.
Comment: This variant is considered pathogenic. This variant creates a termination codon and is predicted to result in premature protein truncation.

Baylor Genetics
Classification: Pathogenic for Familial cancer of breast. Last evaluated: 2023-05-18. Review status: criteria provided, single submitter. Criteria: ACMG Guidelines, 2015. Collection method: clinical testing. Allele origin: unknown.

Color Diagnostics, LLC DBA Color Health
Classification: Pathogenic for Hereditary cancer-predisposing syndrome. Last evaluated: 2020-11-02. Review status: criteria provided, single submitter. Criteria: ACMG Guidelines, 2015. Collection method: clinical testing. Allele origin: germline.
Comment: This variant changes 1 nucleotide in exon 12 of the PALB2 gene, creating a premature translation stop signal. This variant is expected to result in an absent or non-functional protein product. To our knowledge, this variant has been reported in individuals affected with renal cell carcinoma (PMID: 29978187). This variant has not been identified in the general population by the Genome Aggregation Database (gnomAD). Loss of PALB2 function is a known mechanism of disease. Based on the available evidence, this variant is classified as Pathogenic.

GeneDx
Classification: Likely pathogenic. Last evaluated: 2016-12-06. Review status: criteria provided, single submitter. Criteria: GeneDx Variant Classification (06012015). Collection method: clinical testing. Allele origin: germline. Affected: yes.
Comment: This variant is denoted PALB2 c.3234T>A at the cDNA level and p.Cys1078Ter (C1078X) at the protein level. The substitution creates a nonsense variant, which changes a Cysteine to a premature stop codon (TGT>TGA), and is predicted to cause loss of normal protein function through either protein truncation or nonsense-mediated mRNA decay. Although this variant has not, to our knowledge, been reported in the literature, it is considered likely pathogenic.

Literature cited by the submitters: PubMed 28873162 (cited by Ambry Genetics); PubMed 29978187 (cited by Ambry Genetics and Labcorp Genetics (formerly Invitae), Labcorp); PubMed 17200668 (cited by Labcorp Genetics (formerly Invitae), Labcorp); PubMed 17200671 (cited by Labcorp Genetics (formerly Invitae), Labcorp); PubMed 17200672 (cited by Labcorp Genetics (formerly Invitae), Labcorp); PubMed 24136930 (cited by Labcorp Genetics (formerly Invitae), Labcorp); PubMed 25099575 (cited by Labcorp Genetics (formerly Invitae), Labcorp).

NM_024675.4(PALB2):c.3234T>A (p.Cys1078Ter)

Gene: PALB2 (partner and localizer of BRCA2; minus strand). Cytogenetic location: 16p12.2.
Variant type: single nucleotide variant.
Coding change: c.3234T>A on transcript NM_024675.4 (MANE Select); coding-DNA position 3234, T replaced by A.
Protein change: p.Cys1078Ter; replaces cysteine 1078 with a stop codon.
Molecular consequence: nonsense.
Genome position (GRCh38, 1-based): chr16:23,607,980, A>T on the plus strand (T>A on the coding strand, the complement: PALB2 is on the minus strand). VCF-style: chr16-23607980-A-T. GRCh37 (hg19) VCF-style: chr16-23619301-A-T.
Other names: short protein forms C1078*.
Identifiers: ClinVar variation 265571 (VCV000265571.19), dbSNP rs886039634, ClinGen allele CA10588601.
Genomic context (GRCh38, chr16:23,607,980, plus strand): 5'-CTTAGGGTTAATCACAATGAGCTGAAACACAGGGCTTCGCAACGACTCACTCTCTTTGGC[A>T]CAGGGATGACTCAGGACAATAAAGAGAAGCCCCTAATTTCGGAGAAAAATAAATATCCCA-3'